The following is an entry in ClinVar:

NM_030957.4(ADAMTS10):c.199G>A (p.Gly67Ser)

Gene: ADAMTS10 (ADAM metallopeptidase with thrombospondin type 1 motif 10; minus strand). Cytogenetic location: 19p13.2.
Variant type: single nucleotide variant.
Coding change: c.199G>A on transcript NM_030957.4 (MANE Select); coding-DNA position 199, G replaced by A.
Protein change: p.Gly67Ser; replaces glycine 67 with serine.
Molecular consequence: missense variant.
Genome position (GRCh38, 1-based): chr19:8,605,248, C>T on the plus strand (G>A on the coding strand, the complement: ADAMTS10 is on the minus strand). VCF-style: chr19-8605248-C-T. GRCh37 (hg19) VCF-style: chr19-8670133-C-T.
Other names: c.199G>A (NM_030957.2); short protein forms G67S.
Identifiers: ClinVar variation 1365461 (VCV001365461.9), dbSNP rs539576977, ClinGen allele CA9160903.

ClinVar aggregate classification (germline): Uncertain significance. Review status: criteria provided, multiple submitters, no conflicts (2 of 4 stars). 3 submissions from 3 submitters: Uncertain significance (3). Last evaluated 2023-12-14.

Conditions:
Inborn genetic diseases. Identifiers: MedGen C0950123, MeSH D030342.

Allele frequency attached by ClinVar (database versions not stated): gnomAD 0.00001; TOPMed 0.00001; gnomAD exomes 0.00003 and 0.00005; ExAC 0.00005; 1000 Genomes Project 30x 0.00016; 1000 Genomes Project 0.00020.
gnomAD v4.1: 41 of 1,613,168 alleles (0.0025%); highest among the groups gnomAD compares: Middle Eastern, 0.016%; no homozygotes.

Submissions (3):

Ambry Genetics
Classification: Uncertain significance for Inborn genetic diseases. Last evaluated: 2023-12-14. Review status: criteria provided, single submitter. Criteria: Ambry Variant Classification Scheme 2023. Collection method: clinical testing. Allele origin: germline.

Labcorp Genetics (formerly Invitae), Labcorp
Classification: Uncertain significance. Last evaluated: 2021-05-05. Review status: criteria provided, single submitter. Criteria: Invitae Variant Classification Sherloc (09022015). Collection method: clinical testing. Allele origin: germline.
Comment: This sequence change replaces glycine with serine at codon 67 of the ADAMTS10 protein (p.Gly67Ser). The glycine residue is moderately conserved and there is a small physicochemical difference between glycine and serine. This variant is present in population databases (rs539576977, ExAC 0.03%). This variant has not been reported in the literature in individuals with ADAMTS10-related conditions. Algorithms developed to predict the effect of missense changes on protein structure and function output the following: SIFT: "Tolerated"; PolyPhen-2: "Benign"; Align-GVGD: "Class C0". The serine amino acid residue is found in multiple mammalian species, suggesting that this missense change does not adversely affect protein function. These predictions have not been confirmed by published functional studies and their clinical significance is uncertain. In summary, the available evidence is currently insufficient to determine the role of this variant in disease. Therefore, it has been classified as a Variant of Uncertain Significance.

Breakthrough Genomics
Classification: Uncertain significance. Review status: criteria provided, single submitter. Criteria: ACMG Guidelines, 2015. Collection method: not provided. Allele origin: germline. Inheritance: Autosomal recessive inheritance. Affected: yes.